The following is an entry in ClinVar:

NM_000271.5(NPC1):c.1479C>T (p.Ser493=)

Gene: NPC1 (NPC intracellular cholesterol transporter 1; minus strand). Cytogenetic location: 18q11.2.
Variant type: single nucleotide variant.
Coding change: c.1479C>T on transcript NM_000271.5 (MANE Select); coding-DNA position 1479, C replaced by T.
Protein change: p.Ser493=; no amino-acid change (serine 493 retained).
Molecular consequence: synonymous variant.
Genome position (GRCh38, 1-based): chr18:23,554,832, G>A on the plus strand (C>T on the coding strand, the complement: NPC1 is on the minus strand). VCF-style: chr18-23554832-G-A. GRCh37 (hg19) VCF-style: chr18-21134796-G-A.
Identifiers: ClinVar variation 741163 (VCV000741163.19), dbSNP rs148078801, ClinGen allele CA8913460.

ClinVar aggregate classification (germline): Conflicting classifications of pathogenicity. Review status: criteria provided, conflicting classifications (1 of 4 stars). 4 submissions from 4 submitters: Uncertain significance (1); Likely benign (2). 1 of the submissions does not count toward it. Last evaluated 2026-01-24.

Conditions:
Niemann-Pick disease, type C1. Also called: NEUROVISCERAL STORAGE DISEASE WITH VERTICAL SUPRANUCLEAR OPHTHALMOPLEGIA; NIEMANN-PICK DISEASE WITH CHOLESTEROL ESTERIFICATION BLOCK; NIEMANN-PICK DISEASE WITHOUT SPHINGOMYELINASE DEFICIENCY; NIEMANN-PICK DISEASE, CHRONIC NEURONOPATHIC FORM; NIEMANN-PICK DISEASE, VARIANT TYPE C1. Identifiers: Orphanet 646, MedGen C3179455, MONDO:0009757, OMIM 257220.

Allele frequency attached by ClinVar (database versions not stated): ExAC 0.00002; gnomAD exomes 0.00002 and 0.00004; gnomAD 0.00005 and 0.00006; TOPMed 0.00005; ESP Exome Variant Server 0.00008.
gnomAD v4.1: 66 of 1,613,986 alleles (0.0041%); highest among the groups gnomAD compares: Non-Finnish European, 0.0049%; no homozygotes.

Submissions (4):

Labcorp Genetics (formerly Invitae), Labcorp
Classification: Likely benign for Niemann-Pick disease, type C1. Last evaluated: 2026-01-24. Review status: criteria provided, single submitter. Criteria: Invitae Variant Classification Sherloc (09022015). Collection method: clinical testing. Allele origin: germline.

CeGaT Center for Human Genetics Tuebingen
Classification: Likely benign. Last evaluated: 2026-01-01. Review status: criteria provided, single submitter. Criteria: CeGaT Center For Human Genetics Tuebingen Variant Classification Criteria Version 2. Collection method: clinical testing. Allele origin: germline. Affected: yes. Observed: 1 variant allele.
Comment: NPC1: BP4, BP7

Illumina Laboratory Services, Illumina
Classification: Uncertain significance for Niemann-Pick disease type C1. Last evaluated: 2018-01-13. Review status: criteria provided, single submitter. Criteria: ICSL Variant Classification Criteria 13 December 2019. Collection method: clinical testing. Allele origin: germline.

Natera, Inc.
Classification: Likely benign for Niemann-Pick disease type C1. Last evaluated: 2020-10-22. Review status: no assertion criteria provided. Collection method: clinical testing. Allele origin: germline. Not counted in ClinVar's aggregate classification.